The following is an entry in ClinVar:

ClinVar aggregate classification (germline): Pathogenic/Likely pathogenic. Review status: criteria provided, multiple submitters, no conflicts (2 of 4 stars). 5 submissions from 5 submitters: Pathogenic (3); Likely pathogenic (2). Last evaluated 2025-07-14.

Conditions:
Cardiovascular phenotype. Identifiers: MedGen CN230736.
Arrhythmogenic right ventricular dysplasia 8 (ARVD8). Also called: Arrhythmogenic Right Ventricular Dysplasia/Cardiomyopathy 8; ARRHYTHMOGENIC RIGHT VENTRICULAR DYSPLASIA, FAMILIAL, 8; ARRHYTHMOGENIC RIGHT VENTRICULAR CARDIOMYOPATHY 8. Identifiers: MedGen C1843896, MONDO:0011831, OMIM 607450.
Arrhythmogenic cardiomyopathy with wooly hair and keratoderma. Also called: PALMOPLANTAR KERATODERMA WITH LEFT VENTRICULAR CARDIOMYOPATHY AND WOOLLY HAIR; Carvajal syndrome; Arrhythmogenic cardiomyopathy with woolly hair and keratoderma; Dilated cardiomyopathy with woolly hair and keratoderma. Identifiers: Orphanet 65282, MedGen C1854063, MONDO:0011581, OMIM 605676.
Familial isolated arrhythmogenic right ventricular dysplasia. Identifiers: Orphanet 217656, MedGen C4274968, MONDO:0016342.
Cardiomyopathy (CMYO). Also called: Cardiomyopathies. Identifiers: Orphanet 167848, MedGen C0878544, MONDO:0004994, HP:0001638. Inheritance: Various modes of inheritance.

Submissions (5):

Women's Health and Genetics/Laboratory Corporation of America, LabCorp
Classification: Pathogenic for Familial isolated arrhythmogenic right ventricular dysplasia. Last evaluated: 2025-07-14. Review status: criteria provided, single submitter. Criteria: LabCorp Variant Classification Summary - May 2015. Collection method: clinical testing. Allele origin: germline.
Comment: Variant summary: DSP c.4687_4688delCT (p.Leu1563GlufsX63) results in a premature termination codon, predicted to cause a truncation of the encoded protein or absence of the protein due to nonsense mediated decay, which are commonly known mechanisms for disease. The variant was absent in 250346 control chromosomes. c.4687_4688delCT has been observed in individual(s) affected with Arrhythmogenic Right Ventricular Dysplasia/Cardiomyopathy (example: Qi_2021). The following publication has been ascertained in the context of this evaluation (PMID: 34087998). ClinVar contains an entry for this variant (Variation ID: 1072470). Based on the evidence outlined above, the variant was classified as pathogenic.

GeneDx
Classification: Likely pathogenic. Last evaluated: 2025-06-09. Review status: criteria provided, single submitter. Criteria: GeneDx Variant Classification Process June 2021. Collection method: clinical testing. Allele origin: germline. Affected: yes.
Comment: Frameshift variant predicted to result in protein truncation or nonsense mediated decay in a gene for which loss of function is a known mechanism of disease; Not observed at significant frequency in large population cohorts (gnomAD); This variant is associated with the following publications: (PMID: 34087998, 37652022)

Ambry Genetics
Classification: Pathogenic for Cardiovascular phenotype. Last evaluated: 2025-05-21. Review status: criteria provided, single submitter. Criteria: Ambry Variant Classification Scheme 2023. Collection method: clinical testing. Allele origin: germline.
Comment: The c.4687_4688delCT alteration, located in exon 23 (coding exon 23) of the DSP gene, consists of a deletion of 2 nucleotides from position 4687 to 4688, causing a translational frameshift with a predicted alternate stop codon after amino acids. This alteration is expected to result in loss of function by premature protein truncation or nonsense-mediated mRNA decay. This variant was not reported in population-based cohorts in the Genome Aggregation Database (gnomAD). This variant has been reported in a cardiomyopathy cohort (McGurk, 2023). Alterations in DSP that result in haploinsufficiency or protein truncation have been reported in patients with arrhythmogenic right ventricular cardiomyopathy (ARVC) and dilated cardiomyopathy (DCM) (Fressart, 2010; Elliott, 2010; Quarta, 2011; Garcia-Pavia, 2011; Rasmussen, 2013; Pugh, 2014). Based on the available evidence, this alteration is classified as pathogenic.

CHEO Genetics Diagnostic Laboratory, Children's Hospital of Eastern Ontario
Classification: Likely pathogenic for Cardiomyopathy. Last evaluated: 2023-05-29. Review status: criteria provided, single submitter. Criteria: ACMG Guidelines, 2015. Collection method: clinical testing. Allele origin: germline.

Labcorp Genetics (formerly Invitae), Labcorp
Classification: Pathogenic for Arrhythmogenic cardiomyopathy with wooly hair and keratoderma; Arrhythmogenic right ventricular dysplasia 8. Last evaluated: 2022-03-17. Review status: criteria provided, single submitter. Criteria: Invitae Variant Classification Sherloc (09022015). Collection method: clinical testing. Allele origin: germline.
Comment: For these reasons, this variant has been classified as Pathogenic. This variant has not been reported in the literature in individuals affected with DSP-related conditions. This variant is not present in population databases (gnomAD no frequency). This sequence change creates a premature translational stop signal (p.Leu1563Glufs*63) in the DSP gene. It is expected to result in an absent or disrupted protein product. Loss-of-function variants in DSP are known to be pathogenic (PMID: 20716751, 24503780, 25227139).

Literature cited by the submitters: PubMed 34087998 (cited by Women's Health and Genetics/Laboratory Corporation of America, LabCorp); PubMed 20400443 (cited by Ambry Genetics); PubMed 20716751 (cited by Ambry Genetics and Labcorp Genetics (formerly Invitae), Labcorp); PubMed 21606390 (cited by Ambry Genetics); PubMed 21859740 (cited by Ambry Genetics); PubMed 23137101 (cited by Ambry Genetics); PubMed 24503780 (cited by Ambry Genetics and Labcorp Genetics (formerly Invitae), Labcorp); PubMed 37652022 (cited by Ambry Genetics); PubMed 25227139 (cited by Labcorp Genetics (formerly Invitae), Labcorp).

NM_004415.4(DSP):c.4687_4688del (p.Leu1563fs)

Gene: DSP (desmoplakin; plus strand). Cytogenetic location: 6p24.3.
Variant type: Microsatellite.
Coding change: c.4687_4688del on transcript NM_004415.4 (MANE Select); coding-DNA positions 4687 to 4688, 2 bases deleted (CT; older notation c.4687_4688delCT).
Protein change: p.Leu1563fs; shifts the reading frame from leucine 1563.
Molecular consequence: frameshift variant. On other transcripts: intron variant (2).
Genome position (GRCh38, 1-based): chr6:7,580,877-7,580,878, CT deleted; deleting any 2 consecutive bases within chr6:7,580,873-7,580,878 gives the same sequence; the c. name uses the placement nearest the transcript's 3' end. VCF-style (leftmost placement, unchanged base first): chr6-7580872-ACT-A. GRCh37 (hg19) VCF-style: chr6-7581105-ACT-A.
Other names: c.4687_4688delCT (NM_004415.4, NM_004415.2); c.4050+633CT[2] (NM_001319034.2); c.3582+1101CT[2] (NM_001008844.3); short protein forms L1563fs.
Identifiers: ClinVar variation 1072470 (VCV001072470.11), dbSNP rs2113694673, ClinGen allele CA2580614824.
Genomic context (GRCh38, chr6:7,580,872, plus strand): 5'-ACTATGAAAGGGTTTCCCAGGAGAGGACTGTGAAGGACCAGGATATCACGCGGTTCCAGA[ACT>A]CTCTGAAAGAGCTGCAGCTGCAGAAGCAGAAGGTGGAAGAGGAGCTGAATCGGCTGAAGA-3'